The following is an entry in ClinVar:

ClinVar aggregate classification (germline): Uncertain significance (1 of 4 stars; one submission).

Conditions:
Evans syndrome, immunodeficiency, and premature immunosenescence associated with tripeptidyl-peptidase II deficiency. Identifiers: MedGen CN231723. Disease mechanism: loss of function.

Allele frequency attached by ClinVar (database versions not stated): ExAC 0.00001; gnomAD exomes 0.00001 and 0.00002; TOPMed 0.00001.
gnomAD v4.1: 11 of 1,613,466 alleles (0.00068%); highest among the groups gnomAD compares: Admixed American, 0.0084%; no homozygotes.

Submission:

Labcorp Genetics (formerly Invitae), Labcorp
Classification: Uncertain significance for Evans syndrome, immunodeficiency, and premature immunosenescence associated with tripeptidyl-peptidase II deficiency. Last evaluated: 2021-07-07. Review status: criteria provided, single submitter. Criteria: Invitae Variant Classification Sherloc (09022015). Collection method: clinical testing. Allele origin: germline.
Comment: In summary, the available evidence is currently insufficient to determine the role of this variant in disease. Therefore, it has been classified as a Variant of Uncertain Significance. Algorithms developed to predict the effect of missense changes on protein structure and function are either unavailable or do not agree on the potential impact of this missense change (SIFT: "Tolerated"; PolyPhen-2: "Possibly Damaging"; Align-GVGD: "Class C0"). This variant has not been reported in the literature in individuals affected with TPP2-related conditions. This variant is present in population databases (rs765233920, ExAC 0.009%). This sequence change replaces isoleucine with valine at codon 68 of the TPP2 protein (p.Ile68Val). The isoleucine residue is highly conserved and there is a small physicochemical difference between isoleucine and valine.

NM_001330588.2(TPP2):c.202A>G (p.Ile68Val)

Gene: TPP2 (tripeptidyl peptidase 2; plus strand). Cytogenetic location: 13q33.1.
Variant type: single nucleotide variant.
Coding change: c.202A>G on transcript NM_001330588.2 (MANE Select); coding-DNA position 202, A replaced by G.
Protein change: p.Ile68Val; replaces isoleucine 68 with valine.
Molecular consequence: missense variant. On other transcripts: non-coding transcript variant (1).
Genome position (GRCh38, 1-based): chr13:102,604,829, A>G. VCF-style: chr13-102604829-A-G. GRCh37 (hg19) VCF-style: chr13-103257179-A-G.
Other names: c.202A>G, p.Ile68Val (NM_001367947.1, NM_003291.4); short protein forms I68V.
Identifiers: ClinVar variation 1352351 (VCV001352351.6), dbSNP rs765233920, ClinGen allele CA7037438.